The following is an entry in ClinVar:

NM_005228.5(EGFR):c.3025G>C (p.Asp1009His)

Gene: EGFR (epidermal growth factor receptor; plus strand). Cytogenetic location: 7p11.2.
Variant type: single nucleotide variant.
Coding change: c.3025G>C on transcript NM_005228.5 (MANE Select); coding-DNA position 3025, G replaced by C.
Protein change: p.Asp1009His; replaces aspartic acid 1009 with histidine.
Molecular consequence: missense variant.
Genome position (GRCh38, 1-based): chr7:55,201,266, G>C. VCF-style: chr7-55201266-G-C. GRCh37 (hg19) VCF-style: chr7-55268959-G-C.
Other names: c.2890G>C, p.Asp964His (NM_001346897.2, NM_001346899.2); c.3025G>C, p.Asp1009His (NM_001346898.2); c.2866G>C, p.Asp956His (NM_001346900.2); c.2224G>C, p.Asp742His (NM_001346941.2); short protein forms D964H, D1009H, D742H, D956H.
Identifiers: ClinVar variation 4778453 (VCV004778453.1).

ClinVar aggregate classification (germline): Uncertain significance (1 of 4 stars; one submission).

Conditions:
EGFR-related lung cancer (EGFR). Identifiers: MedGen CN130014.

Submission:

Labcorp Genetics (formerly Invitae), Labcorp
Classification: Uncertain significance for EGFR-related lung cancer. Last evaluated: 2025-09-27. Review status: criteria provided, single submitter. Criteria: Invitae Variant Classification Sherloc (09022015). Collection method: clinical testing. Allele origin: germline.
Comment: This sequence change replaces aspartic acid, which is acidic and polar, with histidine, which is basic and polar, at codon 1009 of the EGFR protein (p.Asp1009His). This variant is not present in population databases (gnomAD no frequency). This variant has not been reported in the literature in individuals affected with EGFR-related conditions. Invitae Evidence Modeling of protein sequence and biophysical properties (such as structural, functional, and spatial information, amino acid conservation, physicochemical variation, residue mobility, and thermodynamic stability) has been performed for this missense variant. However, the output from this modeling did not meet the statistical confidence thresholds required to predict the impact of this variant on EGFR protein function. In summary, the available evidence is currently insufficient to determine the role of this variant in disease. Therefore, it has been classified as a Variant of Uncertain Significance.